The following is an entry in ClinVar:

ClinVar aggregate classification (germline): Uncertain significance. Review status: criteria provided, multiple submitters, no conflicts (2 of 4 stars). 2 submissions from 2 submitters: Uncertain significance (2). Last evaluated 2024-12-02.

Conditions:
Inborn genetic diseases. Identifiers: MedGen C0950123, MeSH D030342.
Focal segmental glomerulosclerosis 5 (FSGS5). Identifiers: Orphanet 656, MedGen C2750475, MONDO:0013191, OMIM 613237.
Charcot-Marie-Tooth disease dominant intermediate E. Also called: CHARCOT-MARIE-TOOTH NEUROPATHY WITH FOCAL SEGMENTAL GLOMERULONEPHRITIS. Identifiers: Orphanet 93114, MedGen C4302667, MONDO:0013758, OMIM 614455.

gnomAD v4.1: 3 of 1,602,994 alleles (0.00019%); highest among the groups gnomAD compares: Non-Finnish European, 0.00025%; no homozygotes.

Submissions (2):

Ambry Genetics
Classification: Uncertain significance for Inborn genetic diseases. Last evaluated: 2024-12-02. Review status: criteria provided, single submitter. Criteria: Ambry Variant Classification Scheme 2023. Collection method: clinical testing. Allele origin: germline.

Labcorp Genetics (formerly Invitae), Labcorp
Classification: Uncertain significance for Charcot-Marie-Tooth disease dominant intermediate E; Focal segmental glomerulosclerosis 5. Last evaluated: 2024-03-11. Review status: criteria provided, single submitter. Criteria: Invitae Variant Classification Sherloc (09022015). Collection method: clinical testing. Allele origin: germline.
Comment: This sequence change replaces threonine, which is neutral and polar, with isoleucine, which is neutral and non-polar, at codon 525 of the INF2 protein (p.Thr525Ile). This variant is not present in population databases (gnomAD no frequency). This variant has not been reported in the literature in individuals affected with INF2-related conditions. Advanced modeling of protein sequence and biophysical properties (such as structural, functional, and spatial information, amino acid conservation, physicochemical variation, residue mobility, and thermodynamic stability) performed at Invitae indicates that this missense variant is not expected to disrupt INF2 protein function with a negative predictive value of 95%. In summary, the available evidence is currently insufficient to determine the role of this variant in disease. Therefore, it has been classified as a Variant of Uncertain Significance.

NM_022489.4(INF2):c.1574C>T (p.Thr525Ile)

Gene: INF2 (inverted formin 2; plus strand). Cytogenetic location: 14q32.33.
Variant type: single nucleotide variant.
Coding change: c.1574C>T on transcript NM_022489.4 (MANE Select); coding-DNA position 1574, C replaced by T.
Protein change: p.Thr525Ile; replaces threonine 525 with isoleucine.
Molecular consequence: missense variant. On other transcripts: non-coding transcript variant (1).
Genome position (GRCh38, 1-based): chr14:104,707,841, C>T. VCF-style: chr14-104707841-C-T. GRCh37 (hg19) VCF-style: chr14-105174178-C-T.
Other names: c.1574C>T, p.Thr525Ile (NM_001031714.4, NM_001426862.1, NM_001426863.1 and 2 more transcripts); short protein forms T525I.
Identifiers: ClinVar variation 3529036 (VCV003529036.3).